The following is an entry in ClinVar:

ClinVar aggregate classification (germline): Benign/Likely benign. Review status: criteria provided, multiple submitters, no conflicts (2 of 4 stars). 6 submissions from 5 submitters: Benign (3); Likely benign (2). 1 of the submissions does not count toward it. Last evaluated 2021-11-23.

Conditions:
SCNN1A-related disorder. Also called: SCNN1A-related condition; SCNN1A-related disorders.
Pseudohypoaldosteronism, type IB1, autosomal recessive. Also called: Pseudohypoaldosteronism, Type I, Autosomal Recessive; PHA I, AUTOSOMAL RECESSIVE; Pseudohypoaldosteronism, Type I, Recessive; Autosomal recessive pseudohypoaldosteronism type 1. Identifiers: Orphanet 171876, Orphanet 756, MedGen C5774176, MONDO:0009917, OMIM 264350.
Bronchiectasis with or without elevated sweat chloride 2 (BESC2). Identifiers: Orphanet 60033, MedGen C2751666, MONDO:0013087, OMIM 613021.

Allele frequency attached by ClinVar (database versions not stated): gnomAD exomes 0.00065 and 0.00177; ExAC 0.00231; gnomAD 0.00662 and 0.00712; TOPMed 0.00762; ESP Exome Variant Server 0.00861; 1000 Genomes Project 0.00879; 1000 Genomes Project 30x 0.00953.
gnomAD v4.1: 2,011 of 1,614,058 alleles (0.12%); highest among the groups gnomAD compares: African/African-American, 2.3%; 18 homozygotes.

Submissions (6):

GeneDx
Classification: Likely benign. Last evaluated: 2021-11-23. Review status: criteria provided, single submitter. Criteria: GeneDx Variant Classification Process June 2021. Collection method: clinical testing. Allele origin: germline. Affected: yes.
Comment: See Variant Classification Assertion Criteria.

Illumina Laboratory Services, Illumina
Classification: Benign for Pseudohypoaldosteronism, type IB1, autosomal recessive. Last evaluated: 2018-01-13. Review status: criteria provided, single submitter. Criteria: ICSL Variant Classification Criteria 13 December 2019. Collection method: clinical testing. Allele origin: germline.
Comment: This variant was observed in the ICSL laboratory as part of a predisposition screen in an ostensibly healthy population. It had not been previously curated by ICSL or reported in the Human Gene Mutation Database (HGMD: prior to June 1st, 2018), and was therefore a candidate for classification through an automated scoring system. Utilizing variant allele frequency, disease prevalence and penetrance estimates, and inheritance mode, an automated score was calculated to assess if this variant is too frequent to cause the disease. Based on the score and internal cut-off values, a variant classified as benign is not then subjected to further curation. The score for this variant resulted in a classification of benign for this disease.

Illumina Laboratory Services, Illumina
Classification: Benign for Bronchiectasis with or without elevated sweat chloride 2. Last evaluated: 2018-01-13. Review status: criteria provided, single submitter. Criteria: ICSL Variant Classification Criteria 13 December 2019. Collection method: clinical testing. Allele origin: germline.
Comment: the same text as in the submission from Illumina Laboratory Services, Illumina above.

Laboratory for Molecular Medicine, Mass General Brigham Personalized Medicine
Classification: Benign. Last evaluated: 2017-11-02. Review status: criteria provided, single submitter. Criteria: LMM Criteria. Collection method: clinical testing. Allele origin: germline. Observed: 1 variant allele.
Comment: p.Lys44Glu in exon 1 of SCNN1A: This variant is not expected to have clinical si gnificance because it has been identified in 2.2% (531/23990) of African America n chromosomes including 4 homozygotes by the Genome Aggregation Database (gnomAD; dbSNP rs150809388).

Breakthrough Genomics
Classification: Likely benign. Review status: criteria provided, single submitter. Criteria: ACMG Guidelines, 2015. Collection method: not provided. Allele origin: germline. Inheritance: Autosomal recessive inheritance. Affected: yes.

PreventionGenetics, part of Exact Sciences
Classification: Benign for SCNN1A-related condition. Last evaluated: 2019-04-12. Review status: no assertion criteria provided. Collection method: clinical testing. Allele origin: germline. Not counted in ClinVar's aggregate classification.
Comment: This variant is classified as benign based on ACMG/AMP sequence variant interpretation guidelines (Richards et al. 2015 PMID: 25741868, with internal and published modifications).

NM_001038.6(SCNN1A):c.-48A>G

Gene: SCNN1A (sodium channel epithelial 1 subunit alpha; minus strand). Cytogenetic location: 12p13.31.
Variant type: single nucleotide variant.
Coding change: c.-48A>G on transcript NM_001038.6 (MANE Select); 48 bases upstream of the start codon, A replaced by G.
Molecular consequence: 5 prime UTR variant. On other transcripts: missense variant (2).
Genome position (GRCh38, 1-based): chr12:6,374,831, T>C on the plus strand (A>G on the coding strand, the complement: SCNN1A is on the minus strand). VCF-style: chr12-6374831-T-C. GRCh37 (hg19) VCF-style: chr12-6483997-T-C.
Other names: c.22A>G, p.Lys8Glu (NM_001159575.2); c.130A>G, p.Lys44Glu (NM_001159576.2); short protein forms K8E, K44E.
Identifiers: ClinVar variation 310155 (VCV000310155.13), dbSNP rs150809388, ClinGen allele CA6406340.
Genomic context (GRCh38, chr12:6,374,831, plus strand): 5'-TGTTCCCCTCCATGAGACCTGGTATGGGCTGCAGAGGTCTAGGGTCCTGCTCCTCCAGCT[T>C]GTTCCCCTTCATGAGCCCCGGAGTGGATTGGGGAGAGCAAGGGTCAGGGTCAAGGCTGAG-3'